The following is an entry in ClinVar:

NM_005035.4(POLRMT):c.1286A>G (p.His429Arg)

Gene: POLRMT (RNA polymerase mitochondrial; minus strand). Cytogenetic location: 19p13.3.
Variant type: single nucleotide variant.
Coding change: c.1286A>G on transcript NM_005035.4 (MANE Select); coding-DNA position 1286, A replaced by G.
Protein change: p.His429Arg; replaces histidine 429 with arginine.
Molecular consequence: missense variant. On other transcripts: non-coding transcript variant (1), intron variant (2).
Genome position (GRCh38, 1-based): chr19:623,458, T>C on the plus strand (A>G on the coding strand, the complement: POLRMT is on the minus strand). VCF-style: chr19-623458-T-C. GRCh37 (hg19) VCF-style: chr19-623458-T-C.
Other names: c.1286A>G, p.His429Arg (NM_001407805.1, NM_001407806.1, NM_001407830.1 and 8 more transcripts); c.962A>G, p.His321Arg (NM_001407831.1, NM_001407833.1, NM_001407834.1 and 2 more transcripts); c.1278+8A>G (NM_001407810.1, NM_001407807.1); c.1244A>G, p.His415Arg (NM_001407811.1, NM_001407813.1); short protein forms H321R, H415R, H429R.
Identifiers: ClinVar variation 3025753 (VCV003025753.22), dbSNP rs147681201, ClinGen allele CA9020395.

ClinVar aggregate classification (germline): Benign (1 of 4 stars; one submission).

Allele frequency attached by ClinVar (database versions not stated): gnomAD exomes 0.00025; gnomAD 0.00030; TOPMed 0.00035; ExAC 0.00036; ESP Exome Variant Server 0.00038.
gnomAD v4.1: 460 of 1,611,384 alleles (0.029%); highest among the groups gnomAD compares: Admixed American, 0.0067%; 3 homozygotes.

Submission:

CeGaT Center for Human Genetics Tuebingen
Classification: Benign. Last evaluated: 2025-10-01. Review status: criteria provided, single submitter. Criteria: CeGaT Center For Human Genetics Tuebingen Variant Classification Criteria Version 2. Collection method: clinical testing. Allele origin: germline. Affected: yes. Observed: 2 variant alleles.
Comment: POLRMT: BP4, BS1, BS2